The following is an entry in ClinVar:

ClinVar aggregate classification (germline): Uncertain significance (1 of 4 stars; one submission).

Conditions:
Inborn genetic diseases. Identifiers: MedGen C0950123, MeSH D030342.

Submission:

Ambry Genetics
Classification: Uncertain significance for Inborn genetic diseases. Last evaluated: 2025-10-21. Review status: criteria provided, single submitter. Criteria: Ambry Variant Classification Scheme 2023. Collection method: clinical testing. Allele origin: germline.
Comment: The c.1043G>A (p.G348D) alteration is located in exon 11 (coding exon 11) of the ANO5 gene. This alteration results from a G to A substitution at nucleotide position 1043, causing the glycine (G) at amino acid position 348 to be replaced by an aspartic acid (D). Based on data from gnomAD, the A allele has an overall frequency of <0.001% (1/251012) total alleles studied. The highest observed frequency was 0.001% (1/113350) of European (non-Finnish) alleles. Based on insufficient or conflicting evidence, the clinical significance of this alteration remains unclear.

NM_213599.3(ANO5):c.1043G>A (p.Gly348Asp)

Gene: ANO5 (anoctamin 5; plus strand). Cytogenetic location: 11p14.3.
Variant type: single nucleotide variant.
Coding change: c.1043G>A on transcript NM_213599.3 (MANE Select); coding-DNA position 1043, G replaced by A.
Protein change: p.Gly348Asp; replaces glycine 348 with aspartic acid.
Molecular consequence: missense variant.
Genome position (GRCh38, 1-based): chr11:22,250,770, G>A. VCF-style: chr11-22250770-G-A. GRCh37 (hg19) VCF-style: chr11-22272316-G-A.
Other names: c.1040G>A, p.Gly347Asp (NM_001142649.2); c.1001G>A, p.Gly334Asp (NM_001410963.1, NM_001441300.1); c.998G>A, p.Gly333Asp (NM_001410964.1, NM_001441301.1); c.965G>A, p.Gly322Asp (NM_001441294.1); c.962G>A, p.Gly321Asp (NM_001441295.1); c.950G>A, p.Gly317Asp (NM_001441296.1, NM_001441302.1); c.923G>A, p.Gly308Asp (NM_001441297.1); c.887G>A, p.Gly296Asp (NM_001441298.1); and 1 more; short protein forms G317D, G321D, G322D, G295D, G296D, G334D, G308D, G333D.
Identifiers: ClinVar variation 4581138 (VCV004581138.1).
Genomic context (GRCh38, chr11:22,250,770, plus strand): 5'-CTGTTCAATAACTTTGCTGTTCCTCTTGCAGCACTGAAATCTGTGACCCTGAGATTGGTG[G>A]TCAGATGATCATGTGCCCACTCTGTGATCAAGTGTGTGATTATTGGAGACTAAATAGTAC-3'
Protein context (NP_998764.1, residues 338-358): STEICDPEIG[Gly348Asp]QMIMCPLCDQ